The following is an entry in ClinVar:

NM_024753.5(TTC21B):c.557A>G (p.Gln186Arg)

Genes: TTC21B-AS1 (TTC21B antisense RNA 1; plus strand), TTC21B (tetratricopeptide repeat domain 21B; minus strand). Cytogenetic location: 2q24.3.
Variant type: single nucleotide variant.
Coding change: c.557A>G on transcript NM_024753.5 (MANE Select); coding-DNA position 557, A replaced by G.
Protein change: p.Gln186Arg; replaces glutamine 186 with arginine.
Molecular consequence: missense variant.
Genome position (GRCh38, 1-based): chr2:165,941,180, T>C on the plus strand (A>G on the coding strand, the complement: TTC21B is on the minus strand). VCF-style: chr2-165941180-T-C. GRCh37 (hg19) VCF-style: chr2-166797690-T-C.
Other names: short protein forms Q186R.
Identifiers: ClinVar variation 993599 (VCV000993599.16), dbSNP rs938051900, ClinGen allele CA59764585.
Genomic context (GRCh38, chr2:165,941,180, plus strand): 5'-ACGATTATCTGGTTCACAGTCTCCAGGGCACCTGAATAATTCTGGCGCATCTCAAGGCAT[T>C]GTGCCTAATGGAAGGGAAAAAAAGTGATATCCAAACTGTGATCTTTCATATCAAAGTTCT-3'
Protein context (NP_079029.3, residues 176-196): NDTFALLGKA[Gln186Arg]CLEMRQNYSG

ClinVar aggregate classification (germline): Uncertain significance. Review status: criteria provided, multiple submitters, no conflicts (2 of 4 stars). 2 submissions from 2 submitters: Uncertain significance (2). Last evaluated 2024-11-05.

Conditions:
Jeune thoracic dystrophy. Also called: Jeune syndrome; Infantile thoracic dystrophy; Thoracic pelvic phalangeal dystrophy; Jeune's syndrome; Chondroectodermal dysplasia-like syndrome; Short-rib thoracic dysplasia. Identifiers: Orphanet 474, MedGen C0265275, MONDO:0018770.
Nephronophthisis. Also called: Juvenile Nephronophthisis. Identifiers: Orphanet 655, MedGen C0687120, MONDO:0019005, HP:0000090.

Allele frequency attached by ClinVar (database versions not stated): gnomAD exomes below 0.00001; gnomAD 0.00001 and 0.00002; TOPMed 0.00001.
gnomAD v4.1: 4 of 1,613,764 alleles (0.00025%); highest among the groups gnomAD compares: African/African-American, 0.0027%; no homozygotes.

Submissions (2):

Labcorp Genetics (formerly Invitae), Labcorp
Classification: Uncertain significance for Jeune thoracic dystrophy; Nephronophthisis. Last evaluated: 2024-11-05. Review status: criteria provided, single submitter. Criteria: Invitae Variant Classification Sherloc (09022015). Collection method: clinical testing. Allele origin: germline.
Comment: This sequence change replaces glutamine, which is neutral and polar, with arginine, which is basic and polar, at codon 186 of the TTC21B protein (p.Gln186Arg). This variant is not present in population databases (gnomAD no frequency). This variant has not been reported in the literature in individuals affected with TTC21B-related conditions. ClinVar contains an entry for this variant (Variation ID: 993599). Invitae Evidence Modeling of protein sequence and biophysical properties (such as structural, functional, and spatial information, amino acid conservation, physicochemical variation, residue mobility, and thermodynamic stability) indicates that this missense variant is not expected to disrupt TTC21B protein function with a negative predictive value of 95%. In summary, the available evidence is currently insufficient to determine the role of this variant in disease. Therefore, it has been classified as a Variant of Uncertain Significance.

ARUP Laboratories, Molecular Genetics and Genomics, ARUP Laboratories
Classification: Uncertain significance. Last evaluated: 2020-08-24. Review status: criteria provided, single submitter. Criteria: ARUP Molecular Germline Variant Investigation Process. Collection method: clinical testing. Allele origin: germline.
Comment: The TTC21B p.Gln186Arg variant (rs938051900), to our knowledge, has not been reported in the medical literature or gene specific databases. This variant is also absent from general population databases (1000 Genomes Project, Exome Variant Server, and Genome Aggregation Database), indicating it is not a common polymorphism. The glutamine at codon 186 is moderately conserved (Alamut v.2.11) and computational analyses (SIFT, PolyPhen-2) predict that this variant is tolerated. Based on the available information, the clinical significance of this variant is uncertain.